The following is an entry in ClinVar:

ClinVar aggregate classification (germline): Uncertain significance (1 of 4 stars; one submission).

Submission:

CeGaT Center for Human Genetics Tuebingen
Classification: Uncertain significance. Last evaluated: 2025-04-01. Review status: criteria provided, single submitter. Criteria: CeGaT Center For Human Genetics Tuebingen Variant Classification Criteria Version 2. Collection method: clinical testing. Allele origin: germline. Affected: yes. Observed: 1 variant allele.
Comment: BAG3: PM2, BP4

NM_004281.4(BAG3):c.507+8G>A

Gene: BAG3 (BAG cochaperone 3; plus strand). Cytogenetic location: 10q26.11.
Variant type: single nucleotide variant.
Coding change: c.507+8G>A on transcript NM_004281.4 (MANE Select); 8 bases into the intron after coding-DNA position 507, G replaced by A.
Molecular consequence: intron variant.
Genome position (GRCh38, 1-based): chr10:119,670,185, G>A. VCF-style: chr10-119670185-G-A. GRCh37 (hg19) VCF-style: chr10-121429697-G-A.
Identifiers: ClinVar variation 3898522 (VCV003898522.7).
Genomic context (GRCh38, chr10:119,670,185, plus strand): 5'-GACAGGTGGCAGCGGCGGCGGCAGCCCAGCCCCCAGCCTCCCACGGACCTGAGGTAAGGA[G>A]AGGCCAGGCTCACCAGCCTGCTGGGGAGCAAGCCGCTGTGCTTCCCAGGCCGGGCCCATC-3'